The following is an entry in ClinVar:

NM_001261826.3(AP3D1):c.610G>A (p.Val204Ile)

Gene: AP3D1 (adaptor related protein complex 3 subunit delta 1; minus strand). Cytogenetic location: 19p13.3.
Variant type: single nucleotide variant.
Coding change: c.610G>A on transcript NM_001261826.3 (MANE Select); coding-DNA position 610, G replaced by A.
Protein change: p.Val204Ile; replaces valine 204 with isoleucine.
Molecular consequence: missense variant.
Genome position (GRCh38, 1-based): chr19:2,129,440, C>T on the plus strand (G>A on the coding strand, the complement: AP3D1 is on the minus strand). VCF-style: chr19-2129440-C-T. GRCh37 (hg19) VCF-style: chr19-2129439-C-T.
Other names: c.610G>A, p.Val204Ile (NM_001374799.1, NM_003938.8); short protein forms V204I.
Identifiers: ClinVar variation 2144857 (VCV002144857.4), dbSNP rs746378159, ClinGen allele CA403227699.
Genomic context (GRCh38, chr19:2,129,440, plus strand): 5'-GCGGGGCCAGGGACAGGTAGTTCTTAGGGTTGCGTCTGGCCAGCTCGCAGATGACATTGA[C>T]GGCAGCCGACTGAACCCCTGGGGAACAAGGGGTTCTCATCAGCATGCCTGTCCTTCCACC-3'
Protein context (NP_001248755.1, residues 194-214): DPDPGVQSAA[Val204Ile]NVICELARRN

ClinVar aggregate classification (germline): Uncertain significance (1 of 4 stars; one submission).

Allele frequency attached by ClinVar (database versions not stated): gnomAD exomes 0.00001; TOPMed 0.00002.
gnomAD v4.1: 18 of 1,613,900 alleles (0.0011%); highest among the groups gnomAD compares: Non-Finnish European, 0.0014%; no homozygotes.

Submission:

Labcorp Genetics (formerly Invitae), Labcorp
Classification: Uncertain significance. Last evaluated: 2022-10-07. Review status: criteria provided, single submitter. Criteria: Invitae Variant Classification Sherloc (09022015). Collection method: clinical testing. Allele origin: germline.
Comment: In summary, the available evidence is currently insufficient to determine the role of this variant in disease. Therefore, it has been classified as a Variant of Uncertain Significance. This sequence change replaces valine, which is neutral and non-polar, with isoleucine, which is neutral and non-polar, at codon 204 of the AP3D1 protein (p.Val204Ile). This variant is present in population databases (no rsID available, gnomAD 0.003%). This variant has not been reported in the literature in individuals affected with AP3D1-related conditions. Algorithms developed to predict the effect of missense changes on protein structure and function (SIFT, PolyPhen-2, Align-GVGD) all suggest that this variant is likely to be disruptive.